The following is an entry in ClinVar:

ClinVar aggregate classification (germline): Benign/Likely benign. Review status: criteria provided, multiple submitters, no conflicts (2 of 4 stars). 5 submissions from 5 submitters: Benign (1); Likely benign (1). 3 of the submissions do not count toward it. Last evaluated 2024-10-08.

Conditions:
MASTL-related disorder. Also called: MASTL-related condition.
Thrombocytopenia. Identifiers: MedGen C0040034, MeSH D013921, MONDO:0002049, HP:0001873.

Allele frequency attached by ClinVar (database versions not stated): 1000 Genomes Project 30x 0.00016; 1000 Genomes Project 0.00020; TOPMed 0.00064; gnomAD 0.00072 and 0.00076; ExAC 0.00084; ESP Exome Variant Server 0.00123.
gnomAD v4.1: 1,370 of 1,612,674 alleles (0.085%); highest among the groups gnomAD compares: Non-Finnish European, 0.1%; 3 homozygotes.

Submissions (5):

Blueprint Genetics
Classification: Likely benign. Last evaluated: 2024-10-08. Review status: criteria provided, single submitter. Criteria: ACMG Guidelines, 2015. Collection method: clinical testing. Allele origin: germline.

Illumina Laboratory Services, Illumina
Classification: Benign for Thrombocytopenia. Last evaluated: 2018-01-13. Review status: criteria provided, single submitter. Criteria: ICSL Variant Classification Criteria 13 December 2019. Collection method: clinical testing. Allele origin: germline.
Comment: This variant was observed in the ICSL laboratory as part of a predisposition screen in an ostensibly healthy population. It had not been previously curated by ICSL or reported in the Human Gene Mutation Database (HGMD: prior to June 1st, 2018), and was therefore a candidate for classification through an automated scoring system. Utilizing variant allele frequency, disease prevalence and penetrance estimates, and inheritance mode, an automated score was calculated to assess if this variant is too frequent to cause the disease. Based on the score and internal cut-off values, a variant classified as benign is not then subjected to further curation. The score for this variant resulted in a classification of benign for this disease.

PreventionGenetics, part of Exact Sciences
Classification: Likely benign for MASTL-related condition. Last evaluated: 2020-08-27. Review status: no assertion criteria provided. Collection method: clinical testing. Allele origin: germline. Not counted in ClinVar's aggregate classification.
Comment: This variant is classified as likely benign based on ACMG/AMP sequence variant interpretation guidelines (Richards et al. 2015 PMID: 25741868, with internal and published modifications).

Clinical Genetics DNA and cytogenetics Diagnostics Lab, Erasmus MC, Erasmus Medical Center
Classification: Likely benign. Review status: no assertion criteria provided. Collection method: clinical testing. Allele origin: germline. Affected: yes. Study: VKGL Data-share Consensus. Not counted in ClinVar's aggregate classification.

Genome Diagnostics Laboratory, University Medical Center Utrecht
Classification: Likely benign. Review status: no assertion criteria provided. Collection method: clinical testing. Allele origin: germline. Affected: yes. Study: VKGL Data-share Consensus. Not counted in ClinVar's aggregate classification.

NM_001172303.3(MASTL):c.2120A>T (p.His707Leu)

Gene: MASTL (microtubule associated serine/threonine kinase like; plus strand). Cytogenetic location: 10p12.1.
Variant type: single nucleotide variant.
Coding change: c.2120A>T on transcript NM_001172303.3 (MANE Select); coding-DNA position 2120, A replaced by T.
Protein change: p.His707Leu; replaces histidine 707 with leucine.
Molecular consequence: missense variant. On other transcripts: non-coding transcript variant (1).
Genome position (GRCh38, 1-based): chr10:27,171,079, A>T. VCF-style: chr10-27171079-A-T. GRCh37 (hg19) VCF-style: chr10-27460008-A-T.
Other names: c.2120A>T, p.His707Leu (NM_001172304.3, NM_001320756.2, NM_001320757.2 and 1 more transcripts); c.1637A>T, p.His546Leu (NM_001372029.1, NM_001372030.1); c.2120A>T (NM_032844.4); short protein forms H546L, H707L.
Identifiers: ClinVar variation 880271 (VCV000880271.9), dbSNP rs34635408, ClinGen allele CA5450337.